The following is an entry in ClinVar:

ClinVar aggregate classification (germline): Uncertain significance. Review status: criteria provided, multiple submitters, no conflicts (2 of 4 stars). 3 submissions from 3 submitters: Uncertain significance (3). Last evaluated 2024-03-06.

Conditions:
Arrhythmogenic right ventricular dysplasia 8 (ARVD8). Also called: Arrhythmogenic Right Ventricular Dysplasia/Cardiomyopathy 8; ARRHYTHMOGENIC RIGHT VENTRICULAR DYSPLASIA, FAMILIAL, 8; ARRHYTHMOGENIC RIGHT VENTRICULAR CARDIOMYOPATHY 8. Identifiers: MedGen C1843896, MONDO:0011831, OMIM 607450.
Arrhythmogenic cardiomyopathy with wooly hair and keratoderma. Also called: PALMOPLANTAR KERATODERMA WITH LEFT VENTRICULAR CARDIOMYOPATHY AND WOOLLY HAIR; Carvajal syndrome; Dilated cardiomyopathy with woolly hair and keratoderma; Arrhythmogenic cardiomyopathy with woolly hair and keratoderma. Identifiers: Orphanet 65282, MedGen C1854063, MONDO:0011581, OMIM 605676.
Cardiomyopathy (CMYO). Also called: Cardiomyopathies. Identifiers: Orphanet 167848, MedGen C0878544, MONDO:0004994, HP:0001638. Inheritance: Various modes of inheritance.

Allele frequency attached by ClinVar (database versions not stated): gnomAD exomes below 0.00001.
gnomAD v4.1: 2 of 1,614,164 alleles (0.00012%); highest among the groups gnomAD compares: South Asian, 0.0022%; no homozygotes.

Submissions (3):

Color Diagnostics, LLC DBA Color Health
Classification: Uncertain significance for Cardiomyopathy. Last evaluated: 2024-03-06. Review status: criteria provided, single submitter. Criteria: ACMG Guidelines, 2015. Collection method: clinical testing. Allele origin: germline.
Comment: This missense variant replaces glutamic acid with glycine at codon 1532 of the DSP protein. Computational prediction suggests that this variant may not impact protein structure and function (internally defined REVEL score threshold <= 0.5, PMID: 27666373). Splice site prediction tools suggest that this variant may not impact RNA splicing. To our knowledge, functional studies have not been performed for this variant. This variant has not been reported in individuals affected with cardiovascular disorders in the literature. This variant has not been identified in the general population by the Genome Aggregation Database (gnomAD). The available evidence is insufficient to determine the role of this variant in disease conclusively. Therefore, this variant is classified as a Variant of Uncertain Significance.

GeneDx
Classification: Uncertain significance. Last evaluated: 2023-04-24. Review status: criteria provided, single submitter. Criteria: GeneDx Variant Classification Process June 2021. Collection method: clinical testing. Allele origin: germline. Affected: yes.
Comment: Not observed at significant frequency in large population cohorts (gnomAD); In silico analysis supports that this missense variant has a deleterious effect on protein structure/function; Has not been previously published as pathogenic or benign to our knowledge

Labcorp Genetics (formerly Invitae), Labcorp
Classification: Uncertain significance for Arrhythmogenic cardiomyopathy with wooly hair and keratoderma; Arrhythmogenic right ventricular dysplasia 8. Last evaluated: 2022-03-10. Review status: criteria provided, single submitter. Criteria: Invitae Variant Classification Sherloc (09022015). Collection method: clinical testing. Allele origin: germline.
Comment: In summary, the available evidence is currently insufficient to determine the role of this variant in disease. Therefore, it has been classified as a Variant of Uncertain Significance. Algorithms developed to predict the effect of missense changes on protein structure and function are either unavailable or do not agree on the potential impact of this missense change (SIFT: "Deleterious"; PolyPhen-2: "Probably Damaging"; Align-GVGD: "Class C15"). ClinVar contains an entry for this variant (Variation ID: 925717). This variant has not been reported in the literature in individuals affected with DSP-related conditions. This variant is not present in population databases (gnomAD no frequency). This sequence change replaces glutamic acid, which is acidic and polar, with glycine, which is neutral and non-polar, at codon 1532 of the DSP protein (p.Glu1532Gly).

NM_004415.4(DSP):c.4595A>G (p.Glu1532Gly)

Gene: DSP (desmoplakin; plus strand). Cytogenetic location: 6p24.3.
Variant type: single nucleotide variant.
Coding change: c.4595A>G on transcript NM_004415.4 (MANE Select); coding-DNA position 4595, A replaced by G.
Protein change: p.Glu1532Gly; replaces glutamic acid 1532 with glycine.
Molecular consequence: missense variant. On other transcripts: intron variant (2).
Genome position (GRCh38, 1-based): chr6:7,580,785, A>G. VCF-style: chr6-7580785-A-G. GRCh37 (hg19) VCF-style: chr6-7581018-A-G.
Other names: c.4050+545A>G (NM_001319034.2); c.3582+1013A>G (NM_001008844.3); short protein forms E1532G.
Identifiers: ClinVar variation 925717 (VCV000925717.13), dbSNP rs1759408509, ClinGen allele CA362686687.